The following is an entry in ClinVar:

NM_052813.5(CARD9):c.326C>T (p.Ala109Val)

Gene: CARD9 (caspase recruitment domain family member 9; minus strand). Cytogenetic location: 9q34.3.
Variant type: single nucleotide variant.
Coding change: c.326C>T on transcript NM_052813.5 (MANE Select); coding-DNA position 326, C replaced by T.
Protein change: p.Ala109Val; replaces alanine 109 with valine.
Molecular consequence: missense variant.
Genome position (GRCh38, 1-based): chr9:136,371,142, G>A on the plus strand (C>T on the coding strand, the complement: CARD9 is on the minus strand). VCF-style: chr9-136371142-G-A. GRCh37 (hg19) VCF-style: chr9-139265594-G-A.
Other names: c.326C>T, p.Ala109Val (NM_052814.4); short protein forms A109V.
Identifiers: ClinVar variation 578287 (VCV000578287.10), dbSNP rs760681802, ClinGen allele CA5333156.

ClinVar aggregate classification (germline): Uncertain significance. Review status: criteria provided, multiple submitters, no conflicts (2 of 4 stars). 2 submissions from 2 submitters: Uncertain significance (2). Last evaluated 2025-10-30.

Conditions:
Inborn genetic diseases. Identifiers: MedGen C0950123, MeSH D030342.
Predisposition to invasive fungal disease due to CARD9 deficiency (IMD103). Also called: CARD9 IMMUNODEFICIENCY; Candidiasis, familial, 2, autosomal recessive; IMMUNODEFICIENCY 103, SUSCEPTIBILITY TO FUNGAL INFECTIONS. Identifiers: Orphanet 457088, MedGen C1859353, MONDO:0008905, OMIM 212050.

Allele frequency attached by ClinVar (database versions not stated): gnomAD exomes below 0.00001 and 0.00001; ExAC 0.00001; gnomAD 0.00001; TOPMed 0.00002.
gnomAD v4.1: 17 of 1,612,090 alleles (0.0011%); highest among the groups gnomAD compares: Middle Eastern, 0.016%; no homozygotes.

Submissions (2):

Ambry Genetics
Classification: Uncertain significance for Inborn genetic diseases. Last evaluated: 2025-10-30. Review status: criteria provided, single submitter. Criteria: Ambry Variant Classification Scheme 2023. Collection method: clinical testing. Allele origin: germline.

Labcorp Genetics (formerly Invitae), Labcorp
Classification: Uncertain significance for Predisposition to invasive fungal disease due to CARD9 deficiency. Last evaluated: 2023-08-07. Review status: criteria provided, single submitter. Criteria: Invitae Variant Classification Sherloc (09022015). Collection method: clinical testing. Allele origin: germline.
Comment: This sequence change replaces alanine, which is neutral and non-polar, with valine, which is neutral and non-polar, at codon 109 of the CARD9 protein (p.Ala109Val). In summary, the available evidence is currently insufficient to determine the role of this variant in disease. Therefore, it has been classified as a Variant of Uncertain Significance. Advanced modeling of protein sequence and biophysical properties (such as structural, functional, and spatial information, amino acid conservation, physicochemical variation, residue mobility, and thermodynamic stability) performed at Invitae indicates that this missense variant is not expected to disrupt CARD9 protein function. ClinVar contains an entry for this variant (Variation ID: 578287). This variant has not been reported in the literature in individuals affected with CARD9-related conditions. This variant is present in population databases (rs760681802, gnomAD 0.0009%).